The following is an entry in ClinVar:

ClinVar aggregate classification (germline): Uncertain significance (1 of 4 stars; one submission).

Allele frequency attached by ClinVar (database versions not stated): gnomAD exomes below 0.00001.
gnomAD v4.1: 4 of 1,613,944 alleles (0.00025%); highest among the groups gnomAD compares: African/African-American, 0.004%; no homozygotes.

Submission:

Labcorp Genetics (formerly Invitae), Labcorp
Classification: Uncertain significance. Last evaluated: 2022-11-01. Review status: criteria provided, single submitter. Criteria: Invitae Variant Classification Sherloc (09022015). Collection method: clinical testing. Allele origin: germline.
Comment: This variant is not present in population databases (gnomAD no frequency). This sequence change replaces threonine, which is neutral and polar, with serine, which is neutral and polar, at codon 70 of the TGM6 protein (p.Thr70Ser). In summary, the available evidence is currently insufficient to determine the role of this variant in disease. Therefore, it has been classified as a Variant of Uncertain Significance. Advanced modeling of protein sequence and biophysical properties (such as structural, functional, and spatial information, amino acid conservation, physicochemical variation, residue mobility, and thermodynamic stability) performed at Invitae indicates that this missense variant is not expected to disrupt TGM6 protein function. This variant has not been reported in the literature in individuals affected with TGM6-related conditions.

NM_198994.3(TGM6):c.209C>G (p.Thr70Ser)

Gene: TGM6 (transglutaminase 6; plus strand). Cytogenetic location: 20p13.
Variant type: single nucleotide variant.
Coding change: c.209C>G on transcript NM_198994.3 (MANE Select); coding-DNA position 209, C replaced by G.
Protein change: p.Thr70Ser; replaces threonine 70 with serine.
Molecular consequence: missense variant.
Genome position (GRCh38, 1-based): chr20:2,395,221, C>G. VCF-style: chr20-2395221-C-G. GRCh37 (hg19) VCF-style: chr20-2375867-C-G.
Other names: c.209C>G, p.Thr70Ser (NM_001254734.2); short protein forms T70S.
Identifiers: ClinVar variation 2881516 (VCV002881516.3), dbSNP rs2084655739, ClinGen allele CA408008796.
Genomic context (GRCh38, chr20:2,395,221, plus strand): 5'-AAGGGTCTCCTGATTCCCTCTCCTCTCCTCCAGGACCCCGGGCTTCTGAGGCCCTCCACA[C>G]CAAAGCTGTGTTCCAGACATCGGAGCTGGAGCGGGGTGAGGGCTGGACAGCAGCAAGGGA-3'
Protein context (NP_945345.2, residues 60-80): TGPRASEALH[Thr70Ser]KAVFQTSELE